The following is an entry in ClinVar:

ClinVar aggregate classification (germline): Uncertain significance (1 of 4 stars; one submission).

Allele frequency attached by ClinVar (database versions not stated): TOPMed below 0.00001.

Submission:

GeneDx
Classification: Uncertain significance. Last evaluated: 2025-07-24. Review status: criteria provided, single submitter. Criteria: GeneDx Variant Classification Process June 2021. Collection method: clinical testing. Allele origin: germline. Affected: yes.
Comment: Not observed at significant frequency in large population cohorts (gnomAD); In silico analysis suggests that this missense variant does not alter protein structure/function; Has not been previously published as pathogenic or benign to our knowledge

NM_001365902.3(NFIX):c.588G>T (p.Gln196His)

Gene: NFIX (nuclear factor I X; plus strand). Cytogenetic location: 19p13.13.
Variant type: single nucleotide variant.
Coding change: c.588G>T on transcript NM_001365902.3 (MANE Select); coding-DNA position 588, G replaced by T.
Protein change: p.Gln196His; replaces glutamine 196 with histidine.
Molecular consequence: missense variant.
Genome position (GRCh38, 1-based): chr19:13,073,075, G>T. VCF-style: chr19-13073075-G-T. GRCh37 (hg19) VCF-style: chr19-13183889-G-T.
Other names: c.612G>T, p.Gln204His (NM_001271043.2); c.564G>T, p.Gln188His (NM_001271044.3, NM_001378404.1); c.588G>T, p.Gln196His (NM_001365982.2, NM_002501.4); c.447G>T, p.Gln149His (NM_001365983.2); c.585G>T, p.Gln195His (NM_001365984.2, NM_001365985.2); c.636G>T, p.Gln212His (NM_001378405.1); short protein forms Q149H, Q188H, Q195H, Q196H, Q204H, Q212H.
Identifiers: ClinVar variation 2579449 (VCV002579449.2), dbSNP rs1249124071, ClinGen allele CA404293624.